The following is an entry in ClinVar:

NM_001267550.2(TTN):c.77942C>G (p.Pro25981Arg)

Genes: TTN (titin; minus strand), TTN-AS1 (TTN antisense RNA 1; plus strand). Cytogenetic location: 2q31.2.
Variant type: single nucleotide variant.
Coding change: c.77942C>G on transcript NM_001267550.2 (MANE Select); coding-DNA position 77942, C replaced by G.
Protein change: p.Pro25981Arg; replaces proline 25981 with arginine.
Molecular consequence: missense variant.
Genome position (GRCh38, 1-based): chr2:178,568,190, G>C on the plus strand (C>G on the coding strand, the complement: TTN is on the minus strand). VCF-style: chr2-178568190-G-C. GRCh37 (hg19) VCF-style: chr2-179432917-G-C.
Other names: p.P24340R:CCA>CGA; c.73019C>G, p.Pro24340Arg (NM_001256850.1); c.50747C>G, p.Pro16916Arg (NM_003319.4); c.70238C>G, p.Pro23413Arg (NM_133378.4); c.51122C>G, p.Pro17041Arg (NM_133432.3); c.51323C>G, p.Pro17108Arg (NM_133437.4); short protein forms P24340R, P25981R, P23413R, P16916R, P17041R, P17108R.
Identifiers: ClinVar variation 202882 (VCV000202882.1), dbSNP rs794729505, ClinGen allele CA310578.

ClinVar aggregate classification (germline): Likely benign (1 of 4 stars; one submission).

Allele frequency attached by ClinVar (database versions not stated): gnomAD exomes below 0.00001.
gnomAD v4.1: 1 of 1,613,470 alleles (0.000062%); highest among the groups gnomAD compares: South Asian, 0.0011%; no homozygotes.

Submission:

GeneDx
Classification: Likely benign. Last evaluated: 2018-03-07. Review status: criteria provided, single submitter. Criteria: GeneDx Variant Classification (06012015). Collection method: clinical testing. Allele origin: germline. Affected: yes.
Comment: This variant is considered likely benign or benign based on one or more of the following criteria: it is a conservative change, it occurs at a poorly conserved position in the protein, it is predicted to be benign by multiple in silico algorithms, and/or has population frequency not consistent with disease.